The following is an entry in ClinVar:

ClinVar aggregate classification (germline): Benign/Likely benign. Review status: criteria provided, multiple submitters, no conflicts (2 of 4 stars). 3 submissions from 3 submitters: Benign (1); Likely benign (1). 1 of the submissions does not count toward it. Last evaluated 2025-11-18.

Conditions:
NBEAL2-related disorder. Also called: NBEAL2-related condition.

Allele frequency attached by ClinVar (database versions not stated): gnomAD exomes 0.00031; ExAC 0.00041; ESP Exome Variant Server 0.00090; gnomAD 0.00130 and 0.00143; TOPMed 0.00146; 1000 Genomes Project 30x 0.00219; 1000 Genomes Project 0.00220.
gnomAD v4.1: 435 of 1,612,260 alleles (0.027%); highest among the groups gnomAD compares: African/African-American, 0.48%; no homozygotes.

Submissions (3):

Labcorp Genetics (formerly Invitae), Labcorp
Classification: Benign. Last evaluated: 2025-11-18. Review status: criteria provided, single submitter. Criteria: Invitae Variant Classification Sherloc (09022015). Collection method: clinical testing. Allele origin: germline.

Blueprint Genetics
Classification: Likely benign. Last evaluated: 2024-06-05. Review status: criteria provided, single submitter. Criteria: ACMG Guidelines, 2015. Collection method: clinical testing. Allele origin: germline.

PreventionGenetics, part of Exact Sciences
Classification: Likely benign for NBEAL2-related condition. Last evaluated: 2019-04-25. Review status: no assertion criteria provided. Collection method: clinical testing. Allele origin: germline. Not counted in ClinVar's aggregate classification.
Comment: This variant is classified as likely benign based on ACMG/AMP sequence variant interpretation guidelines (Richards et al. 2015 PMID: 25741868, with internal and published modifications).

NM_015175.3(NBEAL2):c.6624C>T (p.Ser2208=)

Gene: NBEAL2 (neurobeachin like 2; plus strand). Cytogenetic location: 3p21.31.
Variant type: single nucleotide variant.
Coding change: c.6624C>T on transcript NM_015175.3 (MANE Select); coding-DNA position 6624, C replaced by T.
Protein change: p.Ser2208=; no amino-acid change (serine 2208 retained).
Molecular consequence: synonymous variant.
Genome position (GRCh38, 1-based): chr3:47,005,552, C>T. VCF-style: chr3-47005552-C-T. GRCh37 (hg19) VCF-style: chr3-47047042-C-T.
Other names: c.6522C>T, p.Ser2174= (NM_001365116.2).
Identifiers: ClinVar variation 783374 (VCV000783374.7), dbSNP rs200186016, ClinGen allele CA2361906.
Genomic context (GRCh38, chr3:47,005,552, plus strand): 5'-TGACTGCTCCGACCGGCAGTTCCACTCGGTGGCGGCAGCCTGGCAGGCACGCCTGGAGAG[C>T]CCTGCCGATGTGAAGGAGCTCATCCCGGAATTCTTCTACTTTCCTGACTTCCTGGAGAAC-3'
Protein context (NP_055990.1, residues 2198-2218): VAAAWQARLE[Ser2208=]PADVKELIPE